The following is an entry in ClinVar:

NM_002016.2(FLG):c.2938C>G (p.His980Asp)

Genes: CCDST (cervical cancer associated DHX9 suppressive transcript; plus strand), FLG (filaggrin; minus strand). Cytogenetic location: 1q21.3.
Variant type: single nucleotide variant.
Coding change: c.2938C>G on transcript NM_002016.2 (MANE Select); coding-DNA position 2938, C replaced by G.
Protein change: p.His980Asp; replaces histidine 980 with aspartic acid.
Molecular consequence: missense variant.
Genome position (GRCh38, 1-based): chr1:152,311,948, G>C on the plus strand (C>G on the coding strand, the complement: FLG is on the minus strand). VCF-style: chr1-152311948-G-C. GRCh37 (hg19) VCF-style: chr1-152284424-G-C.
Other names: short protein forms H980D.
Identifiers: ClinVar variation 402869 (VCV000402869.10), dbSNP rs12756586, ClinGen allele CA1106909.

ClinVar aggregate classification (germline): Benign. Review status: criteria provided, multiple submitters, no conflicts (2 of 4 stars). 6 submissions from 6 submitters: Benign (4). 2 of the submissions do not count toward it. Last evaluated 2023-04-11.

Conditions:
Ichthyosis vulgaris. Also called: ICHTHYOSIS SIMPLEX; Dominant ichthyosis vulgaris. Identifiers: MedGen C0079584, MONDO:0024304, OMIM 146700.

Allele frequency attached by ClinVar (database versions not stated): 1000 Genomes Project 0.03395; 1000 Genomes Project 30x 0.03623.
gnomAD v4.1: 40,172 of 1,577,942 alleles (2.5%); highest among the groups gnomAD compares: South Asian, 5.9%; 708 homozygotes.

Submissions (6):

Genome-Nilou Lab
Classification: Benign for Ichthyosis vulgaris. Last evaluated: 2023-04-11. Review status: criteria provided, single submitter. Criteria: ACMG Guidelines, 2015. Collection method: clinical testing. Allele origin: germline. Affected: no.

GeneDx
Classification: Benign. Last evaluated: 2018-07-14. Review status: criteria provided, single submitter. Criteria: GeneDx Variant Classification Process June 2021. Collection method: clinical testing. Allele origin: germline. Affected: yes.

Laboratory for Molecular Medicine, Mass General Brigham Personalized Medicine
Classification: Benign. Last evaluated: 2016-03-28. Review status: criteria provided, single submitter. Criteria: LMM Criteria. Collection method: clinical testing. Allele origin: germline.
Comment: Variant identified in a genome or exome case(s) and assessed due to predicted null impact of the variant or pathogenic assertions in the literature or databases. Disclaimer: This variant has not undergone full assessment. The following are preliminary notes: Gene associated with ichthyosis/dermatitis

Breakthrough Genomics
Classification: Benign. Review status: criteria provided, single submitter. Criteria: ACMG Guidelines, 2015. Collection method: not provided. Allele origin: germline. Inheritance: Autosomal dominant inheritance. Affected: yes.

Joint Genome Diagnostic Labs from Nijmegen and Maastricht, Radboudumc and MUMC+
Classification: Benign. Review status: no assertion criteria provided. Collection method: clinical testing. Allele origin: germline. Affected: yes. Study: VKGL Data-share Consensus. Not counted in ClinVar's aggregate classification.

Laboratory of Diagnostic Genome Analysis, Leiden University Medical Center (LUMC)
Classification: Likely benign. Review status: no assertion criteria provided. Collection method: clinical testing. Allele origin: germline. Affected: yes. Study: VKGL Data-share Consensus. Not counted in ClinVar's aggregate classification.